The following is an entry in ClinVar:

NM_001377.3(DYNC2H1):c.10605+27A>G

Gene: DYNC2H1 (dynein cytoplasmic 2 heavy chain 1; plus strand). Cytogenetic location: 11q22.3.
Variant type: single nucleotide variant.
Coding change: c.10605+27A>G on transcript NM_001377.3 (MANE Select); 27 bases into the intron after coding-DNA position 10605, A replaced by G.
Molecular consequence: intron variant.
Genome position (GRCh38, 1-based): chr11:103,257,778, A>G. VCF-style: chr11-103257778-A-G. GRCh37 (hg19) VCF-style: chr11-103128507-A-G.
Other names: c.10626+27A>G (NM_001080463.2).
Identifiers: ClinVar variation 676695 (VCV000676695.2), dbSNP rs1346883, ClinGen allele CA6255019.

ClinVar aggregate classification (germline): Benign. Review status: criteria provided, multiple submitters, no conflicts (2 of 4 stars). 2 submissions from 2 submitters: Benign (2). Last evaluated 2018-06-14.

Allele frequency attached by ClinVar (database versions not stated): ESP Exome Variant Server 0.03368; TOPMed 0.03663; 1000 Genomes Project 0.03854; 1000 Genomes Project 30x 0.04279.
gnomAD v4.1: 9,868 of 1,516,908 alleles (0.65%); highest among the groups gnomAD compares: African/African-American, 12%; 554 homozygotes.

Submissions (2):

GeneDx
Classification: Benign. Last evaluated: 2018-06-14. Review status: criteria provided, single submitter. Criteria: GeneDx Variant Classification (06012015). Collection method: clinical testing. Allele origin: germline. Affected: yes.
Comment: This variant is considered likely benign or benign based on one or more of the following criteria: it is a conservative change, it occurs at a poorly conserved position in the protein, it is predicted to be benign by multiple in silico algorithms, and/or has population frequency not consistent with disease.

Breakthrough Genomics
Classification: Benign. Review status: criteria provided, single submitter. Criteria: ACMG Guidelines, 2015. Collection method: not provided. Allele origin: germline. Inheritance: Autosomal recessive inheritance. Affected: yes.